The following is an entry in ClinVar:

ClinVar aggregate classification (germline): Uncertain significance. Review status: criteria provided, multiple submitters, no conflicts (2 of 4 stars). 3 submissions from 3 submitters: Uncertain significance (3). Last evaluated 2025-11-10.

Conditions:
Autosomal recessive ataxia, Beauce type. Also called: Spinocerebellar ataxia, autosomal recessive 8; ATAXIA, RECESSIVE, OF BEAUCE; SYNE1-Related Autosomal Recessive Cerebellar Ataxia; SYNE1 Deficiency. Identifiers: Orphanet 88644, MedGen C1853116, MONDO:0012549, OMIM 610743.
Emery-Dreifuss muscular dystrophy 4, autosomal dominant (EDMD4). Also called: EMERY-DREIFUSS MUSCULAR DYSTROPHY 4 WITH VARIABLE FEATURES. Identifiers: Orphanet 261, MedGen C2751807, MONDO:0013071, OMIM 612998.
Arthrogryposis multiplex congenita 3, myogenic type. Also called: ARTHROGRYPOSIS MULTIPLEX CONGENITA, MYOGENIC TYPE. Identifiers: MedGen C5193121, MONDO:0032778, OMIM 618484.

Allele frequency attached by ClinVar (database versions not stated): gnomAD exomes 0.00001 and 0.00003; ExAC 0.00002; gnomAD 0.00005; TOPMed 0.00005.
gnomAD v4.1: 53 of 1,614,042 alleles (0.0033%); highest among the groups gnomAD compares: Non-Finnish European, 0.0042%; no homozygotes.

Submissions (3):

Labcorp Genetics (formerly Invitae), Labcorp
Classification: Uncertain significance for Emery-Dreifuss muscular dystrophy 4, autosomal dominant; Autosomal recessive ataxia, Beauce type. Last evaluated: 2025-11-10. Review status: criteria provided, single submitter. Criteria: Invitae Variant Classification Sherloc (09022015). Collection method: clinical testing. Allele origin: germline.
Comment: This sequence change replaces arginine, which is basic and polar, with cysteine, which is neutral and slightly polar, at codon 8030 of the SYNE1 protein (p.Arg8030Cys). This variant is present in population databases (rs772622270, gnomAD 0.0009%). This variant has not been reported in the literature in individuals affected with SYNE1-related conditions. ClinVar contains an entry for this variant (Variation ID: 951061). An algorithm developed to predict the effect of missense changes on protein structure and function (PolyPhen-2) suggests that this variant is likely to be disruptive. In summary, the available evidence is currently insufficient to determine the role of this variant in disease. Therefore, it has been classified as a Variant of Uncertain Significance.

Fulgent Genetics
Classification: Uncertain significance for Autosomal recessive ataxia, Beauce type; Emery-Dreifuss muscular dystrophy 4, autosomal dominant; Arthrogryposis multiplex congenita 3, myogenic type. Last evaluated: 2021-12-16. Review status: criteria provided, single submitter. Criteria: ACMG Guidelines, 2015. Collection method: clinical testing. Allele origin: unknown.

Revvity Omics, Revvity
Classification: Uncertain significance. Last evaluated: 2020-03-12. Review status: criteria provided, single submitter. Criteria: ACMG Guidelines, 2015. Collection method: clinical testing. Allele origin: germline.

NM_182961.4(SYNE1):c.24301C>T (p.Arg8101Cys)

Gene: SYNE1 (spectrin repeat containing nuclear envelope protein 1; minus strand). Cytogenetic location: 6q25.2.
Variant type: single nucleotide variant.
Coding change: c.24301C>T on transcript NM_182961.4 (MANE Select); coding-DNA position 24301, C replaced by T.
Protein change: p.Arg8101Cys; replaces arginine 8101 with cysteine.
Molecular consequence: missense variant.
Genome position (GRCh38, 1-based): chr6:152,151,970, G>A on the plus strand (C>T on the coding strand, the complement: SYNE1 is on the minus strand). VCF-style: chr6-152151970-G-A. GRCh37 (hg19) VCF-style: chr6-152473105-G-A.
Other names: c.907C>T, p.Arg303Cys (NM_001347701.2); c.766C>T, p.Arg256Cys (NM_001347702.2); c.24088C>T, p.Arg8030Cys (NM_033071.5); short protein forms R303C, R256C, R8030C, R8101C.
Identifiers: ClinVar variation 951061 (VCV000951061.12), dbSNP rs772622270, ClinGen allele CA4053224.